The following is an entry in ClinVar:

ClinVar aggregate classification (germline): Pathogenic/Likely pathogenic. Review status: criteria provided, multiple submitters, no conflicts (2 of 4 stars). 5 submissions from 5 submitters: Pathogenic (2); Likely pathogenic (3). Last evaluated 2026-02-13.

Conditions:
Renal tubular acidosis with progressive nerve deafness. Also called: RENAL TUBULAR ACIDOSIS, AUTOSOMAL RECESSIVE, WITH PROGRESSIVE NERVE DEAFNESS; RTA WITH PROGRESSIVE NERVE DEAFNESS; renal tubular acidosis, distal, 2, with progressive sensorineural hearing loss; Distal Renal Tubular Acidosis with Progressive Sensorineural Deafness. Identifiers: MedGen C0403554, MONDO:0009968, OMIM 267300.

Allele frequency attached by ClinVar (database versions not stated): gnomAD 0.00001; TOPMed 0.00001; ExAC 0.00002; gnomAD exomes 0.00002.

Submissions (5):

GeneDx
Classification: Likely pathogenic. Last evaluated: 2026-02-13. Review status: criteria provided, single submitter. Criteria: GeneDx Variant Classification Process June 2021. Collection method: clinical testing. Allele origin: germline.
Comment: Not observed at significant frequency in large population cohorts (gnomAD); In silico analysis supports that this missense variant has a deleterious effect on protein structure/function; This variant is associated with the following publications: (PMID: 18368028, 16433694, 20805693, 12414817)

Variantyx, Inc.
Classification: Pathogenic for Renal tubular acidosis with progressive nerve deafness. Last evaluated: 2026-01-21. Review status: criteria provided, single submitter. Criteria: Variantyx Assertion Criteria 2022. Collection method: clinical testing. Allele origin: germline. Inheritance: Autosomal recessive inheritance. Affected: no.
Comment: This is a nonsynonymous variant in the ATP6V1B1 gene (OMIM: 192132). Pathogenic variants in this gene have been associated with autosomal recessive distal renal tubular acidosis 2 with progressive sensorineural hearing loss. This variant has been identified in the homozygous or compound heterozygous state in at least 3 individuals reported in the published literature (PMID: 20805693, 16433694, 12414817) (PM3_Strong). Functional studies have shown that this variant alters ATP6V1B1 protein function (PMID: 18368028) (PS3), and multiple computational algorithms predict a deleterious effect for this variant (REVEL score: 0.934) (PP3). This variant has a 0.0033% maximum allele frequency in non-founder control populations (PM2). Based on the current evidence, this variant is classified as pathogenic for autosomal recessive distal renal tubular acidosis 2 with progressive sensorineural hearing loss.

Natera, Inc.
Classification: Likely pathogenic for Renal tubular acidosis with progressive nerve deafness. Last evaluated: 2025-12-04. Review status: criteria provided, single submitter. Criteria: Natera Variant Classification Schema (03/2026). Collection method: clinical testing. Allele origin: germline.
Comment: The c.469C>T variant in ATP6V1B1 is a missense variant predicted to cause substitution of arginine to cysteine at amino acid 157. This variant is rare in the general population with a frequency below the threshold expected for the associated phenotype(s). This variant has been observed in one or more individuals affected with the associated recessive disease, as either homozygous or compound heterozygous with a second variant (PMID: 12414817, 30773598, 16433694, 20805693). Additionally, this variant has been observed to segregate in affected family members (PMID: 16433694). Computational prediction algorithms indicate this variant is likely to affect gene or protein function. Given the available evidence, this variant is classified as Likely Pathogenic.

Labcorp Genetics (formerly Invitae), Labcorp
Classification: Pathogenic. Last evaluated: 2024-12-04. Review status: criteria provided, single submitter. Criteria: Invitae Variant Classification Sherloc (09022015). Collection method: clinical testing. Allele origin: germline.
Comment: This sequence change replaces arginine, which is basic and polar, with cysteine, which is neutral and slightly polar, at codon 157 of the ATP6V1B1 protein (p.Arg157Cys). This variant is present in population databases (rs782500780, gnomAD 0.006%). This missense change has been observed in individual(s) with renal tubular acidosis and sensorineural deafness (PMID: 12414817, 16433694, 20805693). In at least one individual the data is consistent with being in trans (on the opposite chromosome) from a pathogenic variant. It has also been observed to segregate with disease in related individuals. ClinVar contains an entry for this variant (Variation ID: 850234). Invitae Evidence Modeling of protein sequence and biophysical properties (such as structural, functional, and spatial information, amino acid conservation, physicochemical variation, residue mobility, and thermodynamic stability) indicates that this missense variant is expected to disrupt ATP6V1B1 protein function with a positive predictive value of 95%. Experimental studies have shown that this missense change affects ATP6V1B1 function (PMID: 18368028). For these reasons, this variant has been classified as Pathogenic.

University of Washington Department of Laboratory Medicine, University of Washington
Classification: Likely pathogenic for Renal tubular acidosis with progressive nerve deafness. Last evaluated: 2021-07-13. Review status: criteria provided, single submitter. Criteria: ACMG Guidelines, 2015. Collection method: clinical testing. Allele origin: unknown. Affected: yes.
Comment: The p.Glu195del variant results in an in-frame deletion of 1 amino acid and is located in the ATP synthase alpha/beta family nucleotide-binding domain near the 3’ splice region of intron 6. Using ACMG guidelines, this variant was classified as likely pathogenic for autosomal recessive distal renal tubular acidosis (ACMG evidence codes used: PM1_supporting, PM3, PM4, PM2_supporting).

Literature cited by the submitters: PubMed 20805693 (cited by 3 submitters); PubMed 16433694 (cited by 3 submitters); PubMed 12414817 (cited by 3 submitters); PubMed 18368028 (cited by Variantyx, Inc. and Labcorp Genetics (formerly Invitae), Labcorp); PubMed 30773598 (cited by Natera, Inc.).

NM_001692.4(ATP6V1B1):c.469C>T (p.Arg157Cys)

Gene: ATP6V1B1 (ATPase H+ transporting V1 subunit B1; plus strand). Cytogenetic location: 2p13.3.
Variant type: single nucleotide variant.
Coding change: c.469C>T on transcript NM_001692.4 (MANE Select); coding-DNA position 469, C replaced by T.
Protein change: p.Arg157Cys; replaces arginine 157 with cysteine.
Molecular consequence: missense variant.
Genome position (GRCh38, 1-based): chr2:70,959,962, C>T. VCF-style: chr2-70959962-C-T. GRCh37 (hg19) VCF-style: chr2-71187092-C-T.
Other names: short protein forms R157C.
Identifiers: ClinVar variation 850234 (VCV000850234.14), dbSNP rs782500780, ClinGen allele CA1701066.